The following is an entry in ClinVar:

NM_000260.4(MYO7A):c.778G>T (p.Glu260Ter)

Gene: MYO7A (myosin VIIA; plus strand). Cytogenetic location: 11q13.5.
Variant type: single nucleotide variant.
Coding change: c.778G>T on transcript NM_000260.4 (MANE Select); coding-DNA position 778, G replaced by T.
Protein change: p.Glu260Ter; replaces glutamic acid 260 with a stop codon.
Molecular consequence: nonsense.
Genome position (GRCh38, 1-based): chr11:77,157,321, G>T. VCF-style: chr11-77157321-G-T. GRCh37 (hg19) VCF-style: chr11-76868367-G-T.
Other names: c.778G>T, p.Glu260Ter (NM_001127180.2); c.745G>T, p.Glu249Ter (NM_001369365.1); c.778G>T (NM_000260.3); short protein forms E249*, E260*.
Identifiers: ClinVar variation 983712 (VCV000983712.4), dbSNP rs1555064033, ClinGen allele CA381932438.
Genomic context (GRCh38, chr11:77,157,321, plus strand): 5'-CTGTGCCCACATTTTCAGGCCCTGGATGAAAGGAACTACCACGTGTTCTACTGCATGCTG[G>T]AGGGTATGAGTGAGGATCAGAAGAAGAAGCTGGGCTTGGGCCAGGCCTCTGACTACAACT-3'

ClinVar aggregate classification (germline): Likely pathogenic. Review status: criteria provided, multiple submitters, no conflicts (2 of 4 stars). 2 submissions from 2 submitters: Likely pathogenic (2). Last evaluated 2024-11-01.

Conditions:
Usher syndrome type 1 (USH1). Also called: RETINITIS PIGMENTOSA AND CONGENITAL DEAFNESS. Identifiers: Orphanet 231169, Orphanet 886, MedGen C1568247, MONDO:0010168, OMIM 276900.
Usher syndrome type 1B (USH1B). Also called: Usher syndrome type IB. Identifiers: MedGen C1848638, MONDO:0700087.

Allele frequency attached by ClinVar (database versions not stated): gnomAD exomes below 0.00001.
gnomAD v4.1: 1 of 1,612,694 alleles (0.000062%); highest among the groups gnomAD compares: Admixed American, 0.0017%; no homozygotes.

Submissions (2):

Natera, Inc.
Classification: Likely pathogenic for Usher syndrome type 1B. Last evaluated: 2024-11-01. Review status: criteria provided, single submitter. Criteria: Natera Variant Classification Schema (03/2026). Collection method: clinical testing. Allele origin: germline.
Comment: The c.778G>T variant in MYO7A is a nonsense variant predicted to introduce a stop codon at amino acid 260. This variant is expected to result in nonsense mediated decay, truncation, or a dysfunctional protein product. This variant is rare in the general population with a frequency below the threshold expected for the associated phenotype(s). Given the available evidence, this variant is classified as Likely Pathogenic.

Myriad Genetics, Inc.
Classification: Likely pathogenic for Usher syndrome type 1. Last evaluated: 2019-01-28. Review status: criteria provided, single submitter. Criteria: Myriad Women's Health Autosomal Recessive and X-Linked Classification Criteria (2019). Collection method: clinical testing. Allele origin: unknown.
Comment: NM_000260.3(MYO7A):c.778G>T(E260*) is expected to be pathogenic in the context of MYO7A-related disorders. This variant is predicted to lead to an abnormal or absent protein product due to the creation of a premature termination codon in MYO7A, a gene where loss-of-function variants are known to be pathogenic. Please note: this variant was assessed in the context of healthy population screening.